The following is an entry in ClinVar:

ClinVar aggregate classification (germline): Uncertain significance (1 of 4 stars; one submission).

Submission:

Labcorp Genetics (formerly Invitae), Labcorp
Classification: Uncertain significance. Last evaluated: 2022-08-09. Review status: criteria provided, single submitter. Criteria: Invitae Variant Classification Sherloc (09022015). Collection method: clinical testing. Allele origin: germline.
Comment: This sequence change replaces alanine, which is neutral and non-polar, with valine, which is neutral and non-polar, at codon 2423 of the SPEG protein (p.Ala2423Val). This variant is not present in population databases (gnomAD no frequency). This variant has not been reported in the literature in individuals affected with SPEG-related conditions. Algorithms developed to predict the effect of missense changes on protein structure and function (SIFT, PolyPhen-2, Align-GVGD) all suggest that this variant is likely to be tolerated. In summary, the available evidence is currently insufficient to determine the role of this variant in disease. Therefore, it has been classified as a Variant of Uncertain Significance.

NM_005876.5(SPEG):c.7268C>T (p.Ala2423Val)

Genes: ASIC4-AS1 (ASIC4 antisense RNA 1; minus strand), SPEG (striated muscle enriched protein kinase; plus strand). Cytogenetic location: 2q35.
Variant type: single nucleotide variant.
Coding change: c.7268C>T on transcript NM_005876.5 (MANE Select); coding-DNA position 7268, C replaced by T.
Protein change: p.Ala2423Val; replaces alanine 2423 with valine.
Molecular consequence: missense variant.
Genome position (GRCh38, 1-based): chr2:219,484,731, C>T. VCF-style: chr2-219484731-C-T. GRCh37 (hg19) VCF-style: chr2-220349453-C-T.
Other names: short protein forms A2423V.
Identifiers: ClinVar variation 1715974 (VCV001715974.5), dbSNP rs2545946049, ClinGen allele CA350701601.